The following is an entry in ClinVar:

ClinVar aggregate classification (germline): Uncertain significance. Review status: criteria provided, multiple submitters, no conflicts (2 of 4 stars). 3 submissions from 3 submitters: Uncertain significance (3). Last evaluated 2025-09-19.

Conditions:
Hereditary cancer-predisposing syndrome. Also called: Neoplastic Syndromes, Hereditary; Hereditary neoplastic syndrome; Tumor predisposition; Hereditary Cancer Syndrome. Identifiers: Orphanet 140162, MedGen C0027672, MeSH D009386, MONDO:0015356.
Oligodontia-cancer predisposition syndrome. Also called: TOOTH AGENESIS-COLORECTAL CANCER SYNDROME. Identifiers: Orphanet 300576, MedGen C1837750, MONDO:0012075, OMIM 608615. Disease mechanism: loss of function.

Allele frequency attached by ClinVar (database versions not stated): gnomAD exomes below 0.00001; gnomAD 0.00001.
gnomAD v4.1: 3 of 1,613,456 alleles (0.00019%); highest among the groups gnomAD compares: African/African-American, 0.004%; no homozygotes.

Submissions (3):

Labcorp Genetics (formerly Invitae), Labcorp
Classification: Uncertain significance for Oligodontia-cancer predisposition syndrome. Last evaluated: 2025-09-19. Review status: criteria provided, single submitter. Criteria: Invitae Variant Classification Sherloc (09022015). Collection method: clinical testing. Allele origin: germline.
Comment: This sequence change replaces valine, which is neutral and non-polar, with glycine, which is neutral and non-polar, at codon 524 of the AXIN2 protein (p.Val524Gly). This variant is present in population databases (no rsID available, gnomAD 0.01%). This variant has not been reported in the literature in individuals affected with AXIN2-related conditions. ClinVar contains an entry for this variant (Variation ID: 1391897). Invitae Evidence Modeling of protein sequence and biophysical properties (such as structural, functional, and spatial information, amino acid conservation, physicochemical variation, residue mobility, and thermodynamic stability) indicates that this missense variant is not expected to disrupt AXIN2 protein function with a negative predictive value of 80%. In summary, the available evidence is currently insufficient to determine the role of this variant in disease. Therefore, it has been classified as a Variant of Uncertain Significance.

Ambry Genetics
Classification: Uncertain significance for Hereditary cancer-predisposing syndrome. Last evaluated: 2025-07-16. Review status: criteria provided, single submitter. Criteria: Ambry Variant Classification Scheme 2023. Collection method: clinical testing. Allele origin: germline.
Comment: The p.V524G variant (also known as c.1571T>G), located in coding exon 5 of the AXIN2 gene, results from a T to G substitution at nucleotide position 1571. The valine at codon 524 is replaced by glycine, an amino acid with dissimilar properties. This amino acid position is conserved. In addition, this alteration is predicted to be tolerated by in silico analysis. Since supporting evidence is limited at this time, the clinical significance of this alteration remains unclear.

GeneDx
Classification: Uncertain significance. Last evaluated: 2024-01-31. Review status: criteria provided, single submitter. Criteria: GeneDx Variant Classification Process June 2021. Collection method: clinical testing. Allele origin: germline. Affected: yes.
Comment: Not observed at significant frequency in large population cohorts (gnomAD); In silico analysis supports that this missense variant does not alter protein structure/function; Has not been previously published as pathogenic or benign to our knowledge

NM_004655.4(AXIN2):c.1571T>G (p.Val524Gly)

Gene: AXIN2 (axin 2; minus strand). Cytogenetic location: 17q24.1.
Variant type: single nucleotide variant.
Coding change: c.1571T>G on transcript NM_004655.4 (MANE Select); coding-DNA position 1571, T replaced by G.
Protein change: p.Val524Gly; replaces valine 524 with glycine.
Molecular consequence: missense variant.
Genome position (GRCh38, 1-based): chr17:65,537,465, A>C on the plus strand (T>G on the coding strand, the complement: AXIN2 is on the minus strand). VCF-style: chr17-65537465-A-C. GRCh37 (hg19) VCF-style: chr17-63533583-A-C.
Other names: c.1571T>G, p.Val524Gly (NM_001363813.1); short protein forms V524G.
Identifiers: ClinVar variation 1391897 (VCV001391897.12), dbSNP rs1333327285, ClinGen allele CA400677235.